The following is an entry in ClinVar:

NM_001267550.2(TTN):c.21689C>T (p.Ala7230Val)

Gene: TTN (titin; minus strand). Cytogenetic location: 2q31.2.
Variant type: single nucleotide variant.
Coding change: c.21689C>T on transcript NM_001267550.2 (MANE Select); coding-DNA position 21689, C replaced by T.
Protein change: p.Ala7230Val; replaces alanine 7230 with valine.
Molecular consequence: missense variant. On other transcripts: intron variant (3).
Genome position (GRCh38, 1-based): chr2:178,723,318, G>A on the plus strand (C>T on the coding strand, the complement: TTN is on the minus strand). VCF-style: chr2-178723318-G-A. GRCh37 (hg19) VCF-style: chr2-179588045-G-A.
Other names: c.20738C>T, p.Ala6913Val (NM_001256850.1); c.17957C>T, p.Ala5986Val (NM_133378.4); c.13282+14764C>T (NM_003319.4); c.13858+14764C>T (NM_133437.4); c.13657+14764C>T (NM_133432.3); short protein forms A6913V, A5986V, A7230V.
Identifiers: ClinVar variation 283979 (VCV000283979.12), dbSNP rs761223583, ClinGen allele CA2000967.

ClinVar aggregate classification (germline): Conflicting classifications of pathogenicity. Review status: criteria provided, conflicting classifications (1 of 4 stars). 6 submissions from 6 submitters: Uncertain significance (5); Likely benign (1). Last evaluated 2025-06-09.

Conditions:
Autosomal recessive limb-girdle muscular dystrophy type 2J (LGMDR10). Also called: Limb-girdle muscular dystrophy, type 2J; MUSCULAR DYSTROPHY, LIMB-GIRDLE, AUTOSOMAL RECESSIVE 10. Identifiers: Orphanet 140922, MedGen C1837342, MONDO:0012127, OMIM 608807.
Dilated cardiomyopathy 1G (CMD1G). Identifiers: Orphanet 154, MedGen C1858763, MONDO:0011400, OMIM 604145.

Allele frequency attached by ClinVar (database versions not stated): gnomAD 0.00002; gnomAD exomes 0.00003 and 0.00005; ExAC 0.00004; TOPMed 0.00004.
gnomAD v4.1: 44 of 1,611,264 alleles (0.0027%); highest among the groups gnomAD compares: Admixed American, 0.018%; no homozygotes.

Submissions (6):

Women's Health and Genetics/Laboratory Corporation of America, LabCorp
Classification: Uncertain significance. Last evaluated: 2025-06-09. Review status: criteria provided, single submitter. Criteria: LabCorp Variant Classification Summary - May 2015. Collection method: clinical testing. Allele origin: germline.
Comment: Variant summary: TTN c.17957C>T (p.Ala5986Val) results in a non-conservative amino acid change located in the I-band region of the encoded protein sequence. Algorithms developed to predict the effect of missense changes on protein structure and function are either unavailable or do not agree on the potential impact of this missense change. The variant allele was found at a frequency of 2.7e-05 in 1604290 control chromosomes, predominantly at a frequency of 0.00018 within the Latino subpopulation in the gnomAD database. This frequency is not significantly higher than estimated for a pathogenic variant in TTN causing Limb-Girdle Muscular Dystrophy, Type 2J, allowing no conclusion about variant significance. The variant, c.17957C>T has been observed in an individual affected with (suspected) limb-girdle muscular dystrophy (LGMD), however this individual also carried two likely pathogenic variants in a different gene, which could explain the phenotype, although the phase was not specified (Nallamilli_2018, reported through LOVD). These report(s) do not provide unequivocal conclusions about association of the variant with Limb-Girdle Muscular Dystrophy, Type 2J. To our knowledge, no experimental evidence demonstrating an impact on protein function has been reported. The following publication have been ascertained in the context of this evaluation (PMID: 30564623). ClinVar contains an entry for this variant (Variation ID: 283979). Based on the evidence outlined above, the variant was classified as uncertain significance.

ARUP Laboratories, Molecular Genetics and Genomics, ARUP Laboratories
Classification: Uncertain significance. Last evaluated: 2025-03-27. Review status: criteria provided, single submitter. Criteria: ARUP Molecular Germline Variant Investigation Process 2024. Collection method: clinical testing. Allele origin: germline.
Comment: The TTN c.21689C>T; p.Ala7230Val variant (rs761223583; ClinVar Variation ID: 283979) is rare in the general population (<0.2% allele frequency in the Genome Aggregation Database) and has not been reported in the medical literature in association with dilated cardiomyopathy (DCM) or other TTN-related disease. The clinical relevance of rare missense variants in this gene, which are identified on average once per individual sequenced in affected populations (Herman 2012), is not well understood. Yet, evidence suggests that the vast majority of such missense variants do not contribute to the clinical outcome of DCM (Begay 2015). Thus, the clinical significance of the p.Ala7230Val variant cannot be determined with certainty. References: Begay RL et al. Role of Titin Missense Variants in Dilated Cardiomyopathy. J Am Heart Assoc. 2015 Nov 13;4(11). PMID: 26567375. Herman DS et al. Truncations of titin causing dilated cardiomyopathy. N Engl J Med. 2012 Feb 16;366(7):619-28. PMID: 22335739. Linke WA and Hamdani N. Gigantic business: titin properties and function through thick and thin. Circ Res 2014; 114(6): 1052-1068. PMID: 24625729.

Revvity Omics, Revvity
Classification: Uncertain significance. Last evaluated: 2023-05-26. Review status: criteria provided, single submitter. Criteria: ACMG Guidelines, 2015. Collection method: clinical testing. Allele origin: germline.

GeneDx
Classification: Likely benign. Last evaluated: 2018-02-27. Review status: criteria provided, single submitter. Criteria: GeneDx Variant Classification (06012015). Collection method: clinical testing. Allele origin: germline. Affected: yes.
Comment: This variant is considered likely benign or benign based on one or more of the following criteria: it is a conservative change, it occurs at a poorly conserved position in the protein, it is predicted to be benign by multiple in silico algorithms, and/or has population frequency not consistent with disease.

Labcorp Genetics (formerly Invitae), Labcorp
Classification: Uncertain significance for Dilated cardiomyopathy 1G; Autosomal recessive limb-girdle muscular dystrophy type 2J. Last evaluated: 2016-12-20. Review status: criteria provided, single submitter. Criteria: Invitae Variant Classification Sherloc (09022015). Collection method: clinical testing. Allele origin: germline.

Eurofins Ntd Llc (ga)
Classification: Uncertain significance. Last evaluated: 2015-10-13. Review status: criteria provided, single submitter. Criteria: EGL Classification Definitions 2015. Collection method: clinical testing. Allele origin: germline. Observed: 1 variant allele, 1 heterozygote.

Literature cited by the submitters: PubMed 30564623 (cited by Women's Health and Genetics/Laboratory Corporation of America, LabCorp).